The following is an entry in ClinVar:

NM_001100913.3(PACS2):c.1138C>T (p.Pro380Ser)

Gene: PACS2 (phosphofurin acidic cluster sorting protein 2; plus strand). Cytogenetic location: 14q32.33.
Variant type: single nucleotide variant.
Coding change: c.1138C>T on transcript NM_001100913.3 (MANE Select); coding-DNA position 1138, C replaced by T.
Protein change: p.Pro380Ser; replaces proline 380 with serine.
Molecular consequence: missense variant.
Genome position (GRCh38, 1-based): chr14:105,380,969, C>T. VCF-style: chr14-105380969-C-T. GRCh37 (hg19) VCF-style: chr14-105847306-C-T.
Other names: c.1138C>T (NM_001100913.2); c.913C>T, p.Pro305Ser (NM_001243127.3); c.1138C>T, p.Pro380Ser (NM_015197.4); short protein forms P380S, P305S.
Identifiers: ClinVar variation 1499464 (VCV001499464.28), dbSNP rs201854785, ClinGen allele CA7388731.
Genomic context (GRCh38, chr14:105,380,969, plus strand): 5'-ACGGGTGTGGTTTCCACGGGAGGCTCCAGGCCCGTCTCTGCTCAGCAGGGTGTGCCAGGC[C>T]CGAGGGAGCACCCTGGACAGCCTGAGGACAGCCCCGAGGCTGAGGCCTCCACCCTGGATG-3'
Protein context (NP_001094383.2, residues 370-390): SDTVALGVPG[Pro380Ser]REHPGQPEDS

ClinVar aggregate classification (germline): Conflicting classifications of pathogenicity. Review status: criteria provided, conflicting classifications (1 of 4 stars). 4 submissions from 4 submitters: Uncertain significance (1); Benign (1); Likely benign (2). Last evaluated 2026-05-01.

Conditions:
Inborn genetic diseases. Identifiers: MedGen C0950123, MeSH D030342.

Allele frequency attached by ClinVar (database versions not stated): ESP Exome Variant Server 0.00008; gnomAD 0.00010 and 0.00011; gnomAD exomes 0.00013; ExAC 0.00017.
gnomAD v4.1: 155 of 1,610,986 alleles (0.0096%); highest among the groups gnomAD compares: Middle Eastern, 0.033%; 1 homozygote.

Submissions (4):

CeGaT Center for Human Genetics Tuebingen
Classification: Likely benign. Last evaluated: 2026-05-01. Review status: criteria provided, single submitter. Criteria: CeGaT Center For Human Genetics Tuebingen Variant Classification Criteria Version 2. Collection method: clinical testing. Allele origin: germline. Affected: yes. Observed: 2 variant alleles.
Comment: PACS2: BP4, BS2

Labcorp Genetics (formerly Invitae), Labcorp
Classification: Benign. Last evaluated: 2026-02-03. Review status: criteria provided, single submitter. Criteria: Invitae Variant Classification Sherloc (09022015). Collection method: clinical testing. Allele origin: germline.

Blueprint Genetics
Classification: Likely benign. Last evaluated: 2024-10-22. Review status: criteria provided, single submitter. Criteria: ACMG Guidelines, 2015. Collection method: clinical testing. Allele origin: germline.

Ambry Genetics
Classification: Uncertain significance for Inborn genetic diseases. Last evaluated: 2021-08-12. Review status: criteria provided, single submitter. Criteria: Ambry Variant Classification Scheme 2023. Collection method: clinical testing. Allele origin: germline.